The following is an entry in ClinVar:

ClinVar aggregate classification (germline): Uncertain significance. Review status: criteria provided, multiple submitters, no conflicts (2 of 4 stars). 6 submissions from 5 submitters: Uncertain significance (6). Last evaluated 2025-03-27.

Conditions:
Adams-Oliver syndrome 5 (AOS5). Identifiers: Orphanet 974, MedGen C4014970, MONDO:0014459, OMIM 616028.
Aortic valve disease 1 (AOVD1). Identifiers: MedGen C3887892, MONDO:0024523, OMIM 109730.
Familial thoracic aortic aneurysm and aortic dissection (TAAD). Also called: Thoracic aortic aneurysms and dissections. Identifiers: Orphanet 91387, MedGen C4707243, MONDO:0019625.

Allele frequency attached by ClinVar (database versions not stated): gnomAD exomes 0.00001; TOPMed 0.00001.
gnomAD v4.1: 5 of 1,613,170 alleles (0.00031%); highest among the groups gnomAD compares: Non-Finnish European, 0.00042%; no homozygotes.

Submissions (6):

Labcorp Genetics (formerly Invitae), Labcorp
Classification: Uncertain significance for Adams-Oliver syndrome 5. Last evaluated: 2025-03-27. Review status: criteria provided, single submitter. Criteria: Invitae Variant Classification Sherloc (09022015). Collection method: clinical testing. Allele origin: germline.
Comment: This sequence change replaces threonine, which is neutral and polar, with asparagine, which is neutral and polar, at codon 748 of the NOTCH1 protein (p.Thr748Asn). This variant is not present in population databases (gnomAD no frequency). This variant has not been reported in the literature in individuals affected with NOTCH1-related conditions. ClinVar contains an entry for this variant (Variation ID: 626873). Invitae Evidence Modeling of protein sequence and biophysical properties (such as structural, functional, and spatial information, amino acid conservation, physicochemical variation, residue mobility, and thermodynamic stability) indicates that this missense variant is not expected to disrupt NOTCH1 protein function with a negative predictive value of 80%. In summary, the available evidence is currently insufficient to determine the role of this variant in disease. Therefore, it has been classified as a Variant of Uncertain Significance.

GeneDx
Classification: Uncertain significance. Last evaluated: 2024-01-23. Review status: criteria provided, single submitter. Criteria: GeneDx Variant Classification Process June 2021. Collection method: clinical testing. Allele origin: germline. Affected: yes.
Comment: Has not been previously published as pathogenic or benign to our knowledge; Not observed at significant frequency in large population cohorts (gnomAD); In silico analysis supports that this missense variant does not alter protein structure/function; This variant is associated with the following publications: (PMID: 27535533)

Ambry Genetics
Classification: Uncertain significance for Familial thoracic aortic aneurysm and aortic dissection. Last evaluated: 2023-03-31. Review status: criteria provided, single submitter. Criteria: Ambry Variant Classification Scheme 2023. Collection method: clinical testing. Allele origin: germline.
Comment: The p.T748N variant (also known as c.2243C>A), located in coding exon 14 of the NOTCH1 gene, results from a C to A substitution at nucleotide position 2243. The threonine at codon 748 is replaced by asparagine, an amino acid with similar properties. This amino acid position is conserved. In addition, this alteration is predicted to be tolerated by in silico analysis. Since supporting evidence is limited at this time, the clinical significance of this alteration remains unclear.

Genome-Nilou Lab
Classification: Uncertain significance for Adams-Oliver syndrome 5. Last evaluated: 2022-03-15. Review status: criteria provided, single submitter. Criteria: ACMG Guidelines, 2015. Collection method: clinical testing. Allele origin: germline. Affected: no.

Genome-Nilou Lab
Classification: Uncertain significance for Aortic valve disease 1. Last evaluated: 2022-03-15. Review status: criteria provided, single submitter. Criteria: ACMG Guidelines, 2015. Collection method: clinical testing. Allele origin: germline. Affected: no.

CHEO Genetics Diagnostic Laboratory, Children's Hospital of Eastern Ontario
Classification: Uncertain significance for Familial thoracic aortic aneurysm and aortic dissection. Last evaluated: 2017-09-21. Review status: criteria provided, single submitter. Criteria: ACMG Guidelines, 2015. Collection method: clinical testing. Allele origin: germline. Study: Canadian Open Genetics Repository.

NM_017617.5(NOTCH1):c.2243C>A (p.Thr748Asn)

Gene: NOTCH1 (notch receptor 1; minus strand). Cytogenetic location: 9q34.3.
Variant type: single nucleotide variant.
Coding change: c.2243C>A on transcript NM_017617.5 (MANE Select); coding-DNA position 2243, C replaced by A.
Protein change: p.Thr748Asn; replaces threonine 748 with asparagine.
Molecular consequence: missense variant.
Genome position (GRCh38, 1-based): chr9:136,513,502, G>T on the plus strand (C>A on the coding strand, the complement: NOTCH1 is on the minus strand). VCF-style: chr9-136513502-G-T. GRCh37 (hg19) VCF-style: chr9-139407954-G-T.
Other names: c.2243C>A, p.Thr748Asn (LRG_1122t1); short protein forms T748N.
Identifiers: ClinVar variation 626873 (VCV000626873.12), dbSNP rs1284149123, ClinGen allele CA375557262.